The following is an entry in ClinVar:

ClinVar aggregate classification (germline): Uncertain significance (1 of 4 stars; one submission).

gnomAD v4.1: 2 of 1,610,394 alleles (0.00012%); highest among the groups gnomAD compares: Admixed American, 0.0017%; no homozygotes.

Submission:

GeneDx
Classification: Uncertain significance. Last evaluated: 2023-10-27. Review status: criteria provided, single submitter. Criteria: GeneDx Variant Classification Process June 2021. Collection method: clinical testing. Allele origin: germline. Affected: yes.
Comment: Not observed at significant frequency in large population cohorts (gnomAD); In silico analysis supports that this missense variant does not alter protein structure/function; Has not been previously published as pathogenic or benign to our knowledge

NM_020937.4(FANCM):c.5329G>A (p.Val1777Ile)

Gene: FANCM (FA complementation group M; plus strand). Cytogenetic location: 14q21.2.
Variant type: single nucleotide variant.
Coding change: c.5329G>A on transcript NM_020937.4 (MANE Select); coding-DNA position 5329, G replaced by A.
Protein change: p.Val1777Ile; replaces valine 1777 with isoleucine.
Molecular consequence: missense variant.
Genome position (GRCh38, 1-based): chr14:45,189,351, G>A. VCF-style: chr14-45189351-G-A. GRCh37 (hg19) VCF-style: chr14-45658554-G-A.
Other names: c.5251G>A, p.Val1751Ile (NM_001308133.2); short protein forms V1751I, V1777I.
Identifiers: ClinVar variation 3363477 (VCV003363477.1).